The following is an entry in ClinVar:

ClinVar aggregate classification (germline): Uncertain significance. Review status: criteria provided, multiple submitters, no conflicts (2 of 4 stars). 3 submissions from 3 submitters: Uncertain significance (3). Last evaluated 2026-06-24.

Conditions:
Charcot-Marie-Tooth disease type 4. Also called: Charcot-Marie-Tooth, Type 4; Charcot-Marie-Tooth disease, type IV. Identifiers: Orphanet 64749, MedGen C4082197, MONDO:0018995.
Inborn genetic diseases. Identifiers: MedGen C0950123, MeSH D030342.

Allele frequency attached by ClinVar (database versions not stated): gnomAD exomes 0.00001; gnomAD 0.00003; ExAC 0.00001; TOPMed 0.00005.
gnomAD v4.1: 8 of 1,613,804 alleles (0.0005%); highest among the groups gnomAD compares: Admixed American, 0.013%; no homozygotes.

Submissions (3):

Women's Health and Genetics/Laboratory Corporation of America, LabCorp
Classification: Uncertain significance. Last evaluated: 2026-06-24. Review status: criteria provided, single submitter. Criteria: LabCorp Variant Classification Summary - May 2015. Collection method: clinical testing. Allele origin: germline.
Comment: Variant summary: FGD4 c.809C>A (p.Pro270Gln) results in a non-conservative amino acid change in the encoded protein sequence. Algorithms developed to predict the effect of missense changes on protein structure and function are either unavailable or do not agree on the potential impact of this missense change. The variant allele was found at a frequency of 1.2e-05 in 251288 control chromosomes. The available data on variant occurrences in the general population are insufficient to allow any conclusion about variant significance. To our knowledge, no occurrence of c.809C>A in individuals affected with FGD4-related conditions and no experimental evidence demonstrating its impact on protein function have been reported. ClinVar contains an entry for this variant (Variation ID: 2153706). Based on the evidence outlined above, the variant was classified as uncertain significance.

Ambry Genetics
Classification: Uncertain significance for Inborn genetic diseases. Last evaluated: 2024-06-25. Review status: criteria provided, single submitter. Criteria: Ambry Variant Classification Scheme 2023. Collection method: clinical testing. Allele origin: germline.

Labcorp Genetics (formerly Invitae), Labcorp
Classification: Uncertain significance for Charcot-Marie-Tooth disease type 4. Last evaluated: 2022-11-01. Review status: criteria provided, single submitter. Criteria: Invitae Variant Classification Sherloc (09022015). Collection method: clinical testing. Allele origin: germline.
Comment: In summary, the available evidence is currently insufficient to determine the role of this variant in disease. Therefore, it has been classified as a Variant of Uncertain Significance. Advanced modeling of protein sequence and biophysical properties (such as structural, functional, and spatial information, amino acid conservation, physicochemical variation, residue mobility, and thermodynamic stability) performed at Invitae indicates that this missense variant is expected to disrupt FGD4 protein function. This variant has not been reported in the literature in individuals affected with FGD4-related conditions. This variant is present in population databases (rs781381508, gnomAD 0.006%). This sequence change replaces proline, which is neutral and non-polar, with glutamine, which is neutral and polar, at codon 270 of the FGD4 protein (p.Pro270Gln).

NM_001370298.3(FGD4):c.1220C>A (p.Pro407Gln)

Gene: FGD4 (FYVE, RhoGEF and PH domain containing 4; plus strand). Cytogenetic location: 12p11.21.
Variant type: single nucleotide variant.
Coding change: c.1220C>A on transcript NM_001370298.3 (MANE Select); coding-DNA position 1220, C replaced by A.
Protein change: p.Pro407Gln; replaces proline 407 with glutamine.
Molecular consequence: missense variant. On other transcripts: 5 prime UTR variant (1).
Genome position (GRCh38, 1-based): chr12:32,601,396, C>A. VCF-style: chr12-32601396-C-A. GRCh37 (hg19) VCF-style: chr12-32754330-C-A.
Other names: c.809C>A (NM_139241.2); c.1064C>A, p.Pro355Gln (NM_001304481.2); c.65C>A, p.Pro22Gln (NM_001304483.2); c.-243C>A (NM_001304484.2); c.530C>A, p.Pro177Gln (NM_001330373.2, NM_001330374.2, NM_001384130.1); c.257C>A, p.Pro86Gln (NM_001370297.1); c.1220C>A, p.Pro407Gln (NM_001384126.1); c.809C>A, p.Pro270Gln (NM_001384127.1, NM_001384128.1, NM_001385118.1 and 1 more transcripts); short protein forms P22Q, P355Q, P270Q, P177Q, P407Q, P86Q.
Identifiers: ClinVar variation 2153706 (VCV002153706.6), dbSNP rs781381508, ClinGen allele CA6506720.